The following is an entry in ClinVar:

NM_182476.3(COQ6):c.1069G>A (p.Val357Ile)

Genes: COQ6 (coenzyme Q6, monooxygenase; plus strand), ENTPD5 (ectonucleoside triphosphate diphosphohydrolase 5; minus strand). Cytogenetic location: 14q24.3.
Variant type: single nucleotide variant.
Coding change: c.1069G>A on transcript NM_182476.3 (MANE Select); coding-DNA position 1069, G replaced by A.
Protein change: p.Val357Ile; replaces valine 357 with isoleucine.
Molecular consequence: missense variant. On other transcripts: intron variant (5), 3 prime UTR variant (1).
Genome position (GRCh38, 1-based): chr14:73,961,350, G>A. VCF-style: chr14-73961350-G-A. GRCh37 (hg19) VCF-style: chr14-74428053-G-A.
Other names: c.1201-1797C>T (NM_001330189.2, NM_001382260.1, NM_001382259.1); c.1069G>A, p.Val357Ile (NM_001425255.1); c.961G>A, p.Val321Ile (NM_001425256.1); c.844G>A, p.Val282Ile (NM_001425261.1, NM_001425259.1, NM_001425260.1); c.814G>A, p.Val272Ile (NM_001425262.1); c.742G>A, p.Val248Ile (NM_001425263.1); c.529G>A, p.Val177Ile (NM_001425264.1, NM_001425265.1); c.994G>A, p.Val332Ile (NM_182480.3); and 5 more; short protein forms V332I, V357I.
Identifiers: ClinVar variation 1904735 (VCV001904735.4), dbSNP rs779684999, ClinGen allele CA7264424.
Genomic context (GRCh38, chr14:73,961,350, plus strand): 5'-AGGGTGGATGCCAAAAGCCGAGTTCTGTTTCCTCTTGGGTTGGGACATGCTGCTGAGTAC[G>A]TCAGGCCTCGGGTGGCGCTCATTGGGTAAGACGATAACAGAGCAGGGCCACTCCCTTCTC-3'
Protein context (NP_872282.1, residues 347-367): PLGLGHAAEY[Val357Ile]RPRVALIGDA

ClinVar aggregate classification (germline): Uncertain significance (1 of 4 stars; one submission).

Allele frequency attached by ClinVar (database versions not stated): gnomAD 0.00001; TOPMed 0.00002; ExAC 0.00002.
gnomAD v4.1: 11 of 1,614,094 alleles (0.00068%); highest among the groups gnomAD compares: East Asian, 0.0022%; no homozygotes.

Submission:

Labcorp Genetics (formerly Invitae), Labcorp
Classification: Uncertain significance. Last evaluated: 2022-06-09. Review status: criteria provided, single submitter. Criteria: Invitae Variant Classification Sherloc (09022015). Collection method: clinical testing. Allele origin: germline.
Comment: In summary, the available evidence is currently insufficient to determine the role of this variant in disease. Therefore, it has been classified as a Variant of Uncertain Significance. Algorithms developed to predict the effect of sequence changes on RNA splicing suggest that this variant may disrupt the consensus splice site. Algorithms developed to predict the effect of missense changes on protein structure and function are either unavailable or do not agree on the potential impact of this missense change (SIFT: "Tolerated"; PolyPhen-2: "Possibly Damaging"; Align-GVGD: "Class C0"). This variant has not been reported in the literature in individuals affected with COQ6-related conditions. This variant is present in population databases (rs779684999, gnomAD 0.01%). This sequence change replaces valine, which is neutral and non-polar, with isoleucine, which is neutral and non-polar, at codon 357 of the COQ6 protein (p.Val357Ile).